The following is an entry in ClinVar:

ClinVar aggregate classification (germline): Uncertain significance (0 of 4 stars; one submission).

Conditions:
PKD1L1-related disorder. Also called: PKD1L1-related condition.

Submission:

PreventionGenetics, part of Exact Sciences
Classification: Uncertain significance for PKD1L1-related condition. Last evaluated: 2024-07-09. Review status: no assertion criteria provided. Collection method: clinical testing. Allele origin: germline.
Comment: The PKD1L1 c.345_368del24 variant is predicted to result in an in-frame deletion (p.Val116_Ala123del). To our knowledge, this variant has not been reported in the literature. This variant is reported in 0.053% of alleles in individuals of South Asian descent in gnomAD. At this time, the clinical significance of this variant is uncertain due to the absence of conclusive functional and genetic evidence.

NM_138295.5(PKD1L1):c.321TGTTGTTAATGAAAAAACACAGGC[1] (p.108VVNEKTQA[1])

Gene: PKD1L1 (polycystin 1 like 1, transient receptor potential channel interacting; minus strand). Cytogenetic location: 7p12.3.
Variant type: Microsatellite.
Coding change: c.321TGTTGTTAATGAAAAAACACAGGC[1] on transcript NM_138295.5 (MANE Select); one copy of the 24-base unit TGTTGTTAATGAAAAAACACAGGC starting at c.321; the reference has two copies in a row; one copy, 24 bases deleted.
Protein change: p.108VVNEKTQA[1].
Molecular consequence: inframe deletion.
Genome position (GRCh38, 1-based): chr7:47,936,876-47,936,899, GCCTGTGTTTTTTCATTAACAACA deleted on the plus strand (TGTTGTTAATGAAAAAACACAGGC on the coding strand, the reverse complement: PKD1L1 is on the minus strand); deleting any 24 consecutive bases within chr7:47,936,876-47,936,923 gives the same sequence; the position shown is the placement nearest the transcript's 3' end. VCF-style (leftmost placement, unchanged base first): chr7-47936875-CGCCTGTGTTTTTTCATTAACAACA-C. GRCh37 (hg19) VCF-style: chr7-47976472-CGCCTGTGTTTTTTCATTAACAACA-C.
Identifiers: ClinVar variation 3352070 (VCV003352070.1).